The following is an entry in ClinVar:

NM_025137.4(SPG11):c.2146C>T (p.Gln716Ter)

Gene: SPG11 (SPG11 vesicle trafficking associated, spatacsin; minus strand). Cytogenetic location: 15q21.1.
Variant type: single nucleotide variant.
Coding change: c.2146C>T on transcript NM_025137.4 (MANE Select); coding-DNA position 2146, C replaced by T.
Protein change: p.Gln716Ter; replaces glutamine 716 with a stop codon.
Molecular consequence: nonsense.
Genome position (GRCh38, 1-based): chr15:44,626,429, G>A on the plus strand (C>T on the coding strand, the complement: SPG11 is on the minus strand). VCF-style: chr15-44626429-G-A. GRCh37 (hg19) VCF-style: chr15-44918627-G-A.
Other names: c.2146C>T, p.Gln716Ter (NM_001160227.2); short protein forms Q716*.
Identifiers: ClinVar variation 41285 (VCV000041285.23), dbSNP rs312262737, ClinGen allele CA344312.

ClinVar aggregate classification (germline): Pathogenic/Likely pathogenic. Review status: criteria provided, multiple submitters, no conflicts (2 of 4 stars). 10 submissions from 8 submitters: Pathogenic (4); Likely pathogenic (2). 4 of the submissions do not count toward it. Last evaluated 2025-12-09.

Conditions:
Charcot-Marie-Tooth disease axonal type 2X. Also called: CHARCOT-MARIE-TOOTH DISEASE, AXONAL, AUTOSOMAL RECESSIVE, TYPE 2X; CHARCOT-MARIE-TOOTH NEUROPATHY, TYPE 2X. Identifiers: Orphanet 466775, MedGen C5569024, MONDO:0014726, OMIM 616668.
Hereditary spastic paraplegia 11. Also called: SPASTIC PARAPLEGIA, AUTOSOMAL RECESSIVE, COMPLICATED, WITH THIN CORPUS CALLOSUM; SPASTIC PARAPLEGIA, AUTOSOMAL RECESSIVE, WITH MENTAL IMPAIRMENT AND THIN CORPUS CALLOSUM; Spastic paraplegia, mental retardation and thin corpus callosum; Spastic Paraplegia 11; Nakamura Osame syndrome; Autosomal recessive hereditary spastic paraplegia, mental impairment, and thin corpus callosum. Identifiers: Orphanet 2822, MedGen C1858479, MONDO:0011445, OMIM 604360.

Allele frequency attached by ClinVar (database versions not stated): ExAC 0.00001.
gnomAD v4.1: 8 of 1,613,824 alleles (0.0005%); highest among the groups gnomAD compares: South Asian, 0.0088%; no homozygotes.

Submissions (10):

Labcorp Genetics (formerly Invitae), Labcorp
Classification: Pathogenic for Hereditary spastic paraplegia 11. Last evaluated: 2025-12-09. Review status: criteria provided, single submitter. Criteria: Invitae Variant Classification Sherloc (09022015). Collection method: clinical testing. Allele origin: germline.
Comment: This sequence change creates a premature translational stop signal (p.Gln716*) in the SPG11 gene. It is expected to result in an absent or disrupted protein product. Loss-of-function variants in SPG11 are known to be pathogenic (PMID: 19105190, 20110243, 22154821, 26556829). This variant is present in population databases (rs312262737, gnomAD 0.003%). This premature translational stop signal has been observed in individuals with hereditary spastic paraplegia (PMID: 20390432, 27217339, 27544499). It has also been observed to segregate with disease in related individuals. ClinVar contains an entry for this variant (Variation ID: 41285). For these reasons, this variant has been classified as Pathogenic.

GeneDx
Classification: Pathogenic. Last evaluated: 2023-03-20. Review status: criteria provided, single submitter. Criteria: GeneDx Variant Classification Process June 2021. Collection method: clinical testing. Allele origin: germline. Affected: yes.
Comment: Nonsense variant predicted to result in protein truncation or nonsense mediated decay in a gene for which loss of function is a known mechanism of disease; Not observed at significant frequency in large population cohorts (gnomAD); This variant is associated with the following publications: (PMID: 25525159, 27544499, 20390432, 30212743, 31069529, 27217339)

3billion
Classification: Pathogenic for Charcot-Marie-Tooth disease axonal type 2X. Last evaluated: 2022-01-03. Review status: criteria provided, single submitter. Criteria: ACMG Guidelines, 2015. Collection method: clinical testing. Allele origin: germline. Affected: yes. Observed: 1 heterozygote.
Comment: Stop-gained (nonsense): predicted to result in a loss or disruption of normal protein function through nonsense-mediated decay (NMD) or protein truncation. Multiple pathogenic variants are reported downstream of the variant (PVS1_VS). It is observed at an extremely low frequency in the gnomAD v2.1.1 dataset (total allele frequency: 0.000004, PM2_M). The variant has been reported at least twice as pathogenic/likely pathogenic with clinical assertions and evidence for the classification (ClinVar ID: VCV000041285, PMID:20390432). Therefore, this variant is classified as pathogenic according to the recommendation of ACMG/AMP guideline.

Illumina Laboratory Services, Illumina
Classification: Likely pathogenic for Hereditary spastic paraplegia 11. Last evaluated: 2017-04-27. Review status: criteria provided, single submitter. Criteria: ICSL Variant Classification Criteria 09 May 2019. Collection method: clinical testing. Allele origin: germline.
Comment: The SPG11 c.2146C>T (p.Gln716Ter) variant is a stop gained variant that is predicted to result in prematire termination of the protein. The p.Gln716Ter variant has been reported in two studies in which it is found in a total of four patients with spastic paraplegia including in three in a homozygous state (including two siblings) and in one in a compound heterozygous state (Southgate et al. 2010; Kara et al. 2016). The p.Gln716Ter variant was also detected in a heterozygous state in the unaffected parents of the homozygous siblings (Southgate et al. 2010). The p.Gln716Ter variant was absent from 180 controls and is reported at a frequency of 0.00012 in the European American population of the Exome Sequencing Project. This frequency is based on one allele only but in an area of good sequence coverage so the variant is presumed to be rare. Due to the potential impact of stop-gained variants and evidence from the literature, the p. Gln716Ter variant is classified as likely pathogenic for the autosomal recessive form of spastic paraplegia. This variant was observed by ICSL as part of a predisposition screen in an ostensibly healthy population.

Neuberg Centre For Genomic Medicine, NCGM
Classification: Pathogenic for Hereditary spastic paraplegia 11. Review status: criteria provided, single submitter. Criteria: ACMG Guidelines, 2015. Collection method: clinical testing. Allele origin: germline. Inheritance: Autosomal recessive inheritance. Affected: yes.
Comment: The observed stop gained variant c.2146C>T(p.Gln716Ter) in SPG11 gene has been reported previously in homozygous state in multiple individuals with hereditary spastic paraplegia (Manole A, et al., 2016, Kara E, et al., 2016, Southgate L, et al., 2010). The c.2146C>T variant has 0.0004% allele frequency in gnomAD Exomes. This variant has been reported to the ClinVar database as Uncertain Significance/Likely Pathogenic/Pathogenic.This variant is predicted to cause loss of normal protein function through protein truncation. Loss of function variants have been previously reported to be disease causing (Southgate L, et al., 2010). For these reasons, this variant has been classified as Pathogenic.

Neuberg Centre For Genomic Medicine, NCGM
Classification: Likely pathogenic for Charcot-Marie-Tooth disease axonal type 2X. Review status: criteria provided, single submitter. Criteria: ACMG Guidelines, 2015. Collection method: clinical testing. Allele origin: germline. Inheritance: Autosomal recessive inheritance. Affected: yes.
Comment: The observed variant c.2146C>T (p.Gln716Ter) in SPG11 gene has been reported in homozygous and compound heterozygous state in individuals affected with SPG11 related disorder (Manole A et al. 2016). The p.Gln716Ter variant has allele frequency 0.0004% in gnomAD Exomes. This variant has been submitted to the ClinVar database as Uncertain significance / Likely pathogenic / Pathogenic. The nucleotide change c.2146C>T in SPG11 is predicted as conserved by GERP++ and PhyloP across 100 vertebrates. This variant is predicted to cause loss of normal protein function through protein truncation. Loss of function variants have been previously reported to be disease causing. Functional studies are required to prove the pathogenicity for the variant, for these reasons, this variant has been classified as Likely Pathogenic.

Department of Biotechnology and Genetic Engineering, Kohat University of Science and Technology
Classification: Pathogenic for Hereditary spastic paraplegia 11. Last evaluated: 2024-01-02. Review status: no assertion criteria provided. Collection method: research. Allele origin: germline. Affected: yes. Not counted in ClinVar's aggregate classification.

Foundation for Research in Genetics and Endocrinology, FRIGE's Institute of Human Genetics
Classification: Uncertain significance for Hereditary spastic paraplegia 11. Last evaluated: 2015-11-03. Review status: no assertion criteria provided. Collection method: clinical testing. Allele origin: germline. Inheritance: Autosomal recessive inheritance. Affected: yes. Observed: 1 variant allele, 1 homozygote. Not counted in ClinVar's aggregate classification.
Comment: The observed variant c.2146C>T (p.Gln716Ter) is not reported in 1000 Genomes and its minor allele frequency ExAC databases is 0.000008252. The in silico prediction of the variant is disease causing by MutationTaster2.

GeneReviews
No classification provided. Condition: Hereditary spastic paraplegia 11. Review status: no classification provided. Collection method: literature only. Allele origin: unknown. Not counted in ClinVar's aggregate classification.

Foundation for Research in Genetics and Endocrinology, FRIGE's Institute of Human Genetics
Classification: Uncertain significance for Charcot-Marie-Tooth disease axonal type 2X. Last evaluated: 2022-02-01. Review status: flagged submission. Criteria: ACMG Guidelines, 2015. Collection method: clinical testing. Allele origin: germline. Inheritance: Autosomal recessive inheritance. Affected: yes. Observed: 1 heterozygote. Not counted in ClinVar's aggregate classification.
Comment: A heterozygous nonsense variation in exon 11 of the SPG11 gene that results in a stop codon and premature truncation of the protein at codon 716 (p.Gln716Ter) was detected. The observed variation has previously been reported in patients affected with hereditary spastic paraplegia . The p.Gln716Ter variant has not been reported in the 1000 genomes and gnomAD database. The reference codon is conserved across species. In summary, the varint meets the criteria to be classified as variant of uncertain significance.
ClinVar note: Reason: Outlier claim with insufficient supporting evidence

Literature cited by the submitters: PubMed 19105190 (cited by Labcorp Genetics (formerly Invitae), Labcorp); PubMed 20110243 (cited by Labcorp Genetics (formerly Invitae), Labcorp); PubMed 22154821 (cited by Labcorp Genetics (formerly Invitae), Labcorp); PubMed 26556829 (cited by Labcorp Genetics (formerly Invitae), Labcorp); PubMed 20390432 (cited by 5 submitters); PubMed 27217339 (cited by Labcorp Genetics (formerly Invitae), Labcorp and Illumina Laboratory Services, Illumina); PubMed 27544499 (cited by Labcorp Genetics (formerly Invitae), Labcorp); PubMed 20301389 (cited by GeneReviews); NCBI Bookshelf NBK1210 (cited by GeneReviews).